The following is an entry in ClinVar:

ClinVar aggregate classification (germline): Likely benign. Review status: reviewed by expert panel (3 of 4 stars). 3 submissions from 3 submitters: Likely benign (1). 2 of the submissions do not count toward it. Last evaluated 2025-05-19.

Conditions:
Juvenile retinoschisis (RS1). Also called: X-linked retinoschisis; X-Linked Juvenile Retinoschisis. Identifiers: Orphanet 792, MedGen C3714753, MONDO:0010725, OMIM 312700.

Allele frequency attached by ClinVar (database versions not stated): gnomAD exomes 0.00003 and 0.00005; gnomAD 0.00002; TOPMed 0.00001; ExAC 0.00007.
gnomAD v4.1: 34 of 1,209,295 alleles (0.0028%); highest among the groups gnomAD compares: South Asian, 0.037%; no homozygotes.

Submissions (3):

ClinGen X-linked Inherited Retinal Disease Variant Curation Expert Panel, ClinGen
Classification: Likely benign for Juvenile retinoschisis. Last evaluated: 2025-05-19. Review status: reviewed by expert panel. Criteria: ClinGen X LinkedIRD ACMG Specifications RS1 V1.0.0. Collection method: curation. Allele origin: germline. Inheritance: X-linked inheritance.
Comment: The NM_000330.4(RS1):c.478C>T variant is a missense variant encoding the substitution of Arginine with Cysteine at amino acid 160. This variant is present in gnomAD v.4.1.0 at a frequency of 0.00002772 among hemizygous individuals, with 11 variant alleles / 396847 total alleles, which is higher than the ClinGen X-linked IRD VCEP BS1 threshold of >0.00002 (BS1). The computational predictor REVEL gives a score of 0.391, which is between the ClinGen X-linked IRD VCEP thresholds of >0.664 to <0.290 and does not predict a damaging effect on RS1 function. Additionally, the splicing impact predictor SpliceAI gives a score of 0.01, which is below the ClinGen X-linked IRD VCEP recommended threshold of ≥0.2 and does not strongly predict an impact on splicing. Collectively, the BP4 and PP3 codes are not met. In summary, this variant is classified as likely benign for X-linked retinoschisis based on the ClinGen X-linked Inherited Retinal Disease Expert Panel Specifications to the ACMG/AMP Variant Interpretation Guidelines for RS1 Version 1.0.0: BS1 (date of approval 01/24/2025).

Labcorp Genetics (formerly Invitae), Labcorp
Classification: Likely benign. Last evaluated: 2025-10-30. Review status: criteria provided, single submitter. Criteria: Invitae Variant Classification Sherloc (09022015). Collection method: clinical testing. Allele origin: germline. Not counted in ClinVar's aggregate classification.

Blueprint Genetics
Classification: Likely benign. Last evaluated: 2024-11-06. Review status: criteria provided, single submitter. Criteria: ACMG Guidelines, 2015. Collection method: clinical testing. Allele origin: germline. Not counted in ClinVar's aggregate classification.

NM_000330.4(RS1):c.478C>T (p.Arg160Cys)

Genes: CDKL5 (cyclin dependent kinase like 5; plus strand), RS1 (retinoschisin 1; minus strand). Cytogenetic location: Xp22.13.
Variant type: single nucleotide variant.
Coding change: c.478C>T on transcript NM_000330.4 (MANE Select); coding-DNA position 478, C replaced by T.
Protein change: p.Arg160Cys; replaces arginine 160 with cysteine.
Molecular consequence: missense variant. On other transcripts: intron variant (2).
Genome position (GRCh38, 1-based): chrX:18,644,474, G>A on the plus strand (C>T on the coding strand, the complement: RS1 is on the minus strand). VCF-style: chrX-18644474-G-A. GRCh37 (hg19) VCF-style: chrX-18662594-G-A.
Other names: NM_000330.4(RS1):c.478C>T; p.Arg160Cys; c.2714-1533G>A (NM_003159.3, NM_001037343.2); short protein forms R160C.
Identifiers: ClinVar variation 1103437 (VCV001103437.11), dbSNP rs766007270, ClinGen allele CA10360634.
Genomic context (GRCh38, chrX:18,644,474, plus strand): 5'-GATAAGCCCAACTTACCCGGTTGTTTCCAGTCTGGTCCTTGTAGTAAATCCAGTTCAGGC[G>A]CTCATCGGTCCTGTACTGCACGCTGTACTTGGTCATCCACTCATCGATGTCACAGCGCCC-3'
Protein context (NP_000321.1, residues 150-170): KYSVQYRTDE[Arg160Cys]LNWIYYKDQT